The following is an entry in ClinVar:

NM_000238.4(KCNH2):c.190T>G (p.Cys64Gly)

Gene: KCNH2 (potassium voltage-gated channel subfamily H member 2; minus strand). Cytogenetic location: 7q36.1.
Variant type: single nucleotide variant.
Coding change: c.190T>G on transcript NM_000238.4 (MANE Select); coding-DNA position 190, T replaced by G.
Protein change: p.Cys64Gly; replaces cysteine 64 with glycine.
Molecular consequence: missense variant. On other transcripts: non-coding transcript variant (1).
Genome position (GRCh38, 1-based): chr7:150,974,828, A>C on the plus strand (T>G on the coding strand, the complement: KCNH2 is on the minus strand). VCF-style: chr7-150974828-A-C. GRCh37 (hg19) VCF-style: chr7-150671916-A-C.
Other names: c.13T>G, p.Cys5Gly (NM_001406755.1); c.190T>G, p.Cys64Gly (NM_172056.3); short protein forms C5G, C64G.
Identifiers: ClinVar variation 4766835 (VCV004766835.1).
Genomic context (GRCh38, chr7:150,974,828, plus strand): 5'-GCGCGATCTGCGCGGCAGCGCGGCGCTGCGTGCGCGGCCCGTGCAGGAAGTCGCAGGTGC[A>C]GGGTCGCTGCATCACCTCGGCCCGCGAGTAGCCGCACAGCTCGCAGAAGCCGTCGTTGCA-3'
Protein context (NP_000229.1, residues 54-74): YSRAEVMQRP[Cys64Gly]TCDFLHGPRT

ClinVar aggregate classification (germline): Uncertain significance (1 of 4 stars; one submission).

Conditions:
Long QT syndrome (LQTS). Identifiers: MedGen C0023976, MeSH D008133, MONDO:0002442. Disease mechanism: loss of function. Inheritance: Various modes of inheritance.

Submission:

Labcorp Genetics (formerly Invitae), Labcorp
Classification: Uncertain significance for Long QT syndrome. Last evaluated: 2025-11-02. Review status: criteria provided, single submitter. Criteria: Invitae Variant Classification Sherloc (09022015). Collection method: clinical testing. Allele origin: germline.
Comment: This sequence change replaces cysteine, which is neutral and slightly polar, with glycine, which is neutral and non-polar, at codon 64 of the KCNH2 protein (p.Cys64Gly). This variant is not present in population databases (gnomAD no frequency). This variant has not been reported in the literature in individuals affected with KCNH2-related conditions. An algorithm developed to predict the effect of missense changes on protein structure and function (PolyPhen-2) suggests that this variant is likely to be disruptive. Experimental studies have shown that this missense change does not substantially affect KCNH2 function (PMID: 35688148). This variant disrupts the p.Cys64 amino acid residue in KCNH2. Other variant(s) that disrupt this residue have been observed in individuals with KCNH2-related conditions (PMID: 22949429), which suggests that this may be a clinically significant amino acid residue. In summary, the available evidence is currently insufficient to determine the role of this variant in disease. Therefore, it has been classified as a Variant of Uncertain Significance.

Literature cited by the submitters: PubMed 35688148; PubMed 22949429.